The following is an entry in ClinVar:

ClinVar aggregate classification (germline): Uncertain significance. Review status: criteria provided, multiple submitters, no conflicts (2 of 4 stars). 3 submissions from 3 submitters: Uncertain significance (3). Last evaluated 2026-01-01.

Conditions:
Inborn genetic diseases. Identifiers: MedGen C0950123, MeSH D030342.
Combined oxidative phosphorylation defect type 14. Also called: Combined oxidative phosphorylation deficiency 14. Identifiers: Orphanet 319519, MedGen C4755312, MONDO:0013986, OMIM 614946.

Allele frequency attached by ClinVar (database versions not stated): gnomAD exomes below 0.00001; TOPMed below 0.00001; gnomAD 0.00001; ExAC 0.00002; 1000 Genomes Project 30x 0.00016; 1000 Genomes Project 0.00020.
gnomAD v4.1: 7 of 1,614,152 alleles (0.00043%); highest among the groups gnomAD compares: Middle Eastern, 0.016%; no homozygotes.

Submissions (3):

Labcorp Genetics (formerly Invitae), Labcorp
Classification: Uncertain significance for Combined oxidative phosphorylation defect type 14. Last evaluated: 2026-01-01. Review status: criteria provided, single submitter. Criteria: Invitae Variant Classification Sherloc (09022015). Collection method: clinical testing. Allele origin: germline.
Comment: This sequence change replaces threonine, which is neutral and polar, with methionine, which is neutral and non-polar, at codon 121 of the FARS2 protein (p.Thr121Met). This variant is present in population databases (rs551537911, gnomAD 0.006%). This variant has not been reported in the literature in individuals affected with FARS2-related conditions. ClinVar contains an entry for this variant (Variation ID: 1052874). Invitae Evidence Modeling of protein sequence and biophysical properties (such as structural, functional, and spatial information, amino acid conservation, physicochemical variation, residue mobility, and thermodynamic stability) indicates that this missense variant is expected to disrupt FARS2 protein function with a positive predictive value of 95%. In summary, the available evidence is currently insufficient to determine the role of this variant in disease. Therefore, it has been classified as a Variant of Uncertain Significance.

Ambry Genetics
Classification: Uncertain significance for Inborn genetic diseases. Last evaluated: 2025-03-17. Review status: criteria provided, single submitter. Criteria: Ambry Variant Classification Scheme 2023. Collection method: clinical testing. Allele origin: germline.

GeneDx
Classification: Uncertain significance. Last evaluated: 2023-12-27. Review status: criteria provided, single submitter. Criteria: GeneDx Variant Classification Process June 2021. Collection method: clinical testing. Allele origin: germline. Affected: yes.
Comment: Not observed at significant frequency in large population cohorts (gnomAD); In silico analysis supports that this missense variant has a deleterious effect on protein structure/function; Has not been previously published as pathogenic or benign to our knowledge

NM_006567.5(FARS2):c.362C>T (p.Thr121Met)

Genes: FARS2 (phenylalanyl-tRNA synthetase 2, mitochondrial; plus strand), LOC126859565 (CDK7 strongly-dependent group 2 enhancer GRCh37_chr6:5368745-5369944; plus strand). Cytogenetic location: 6p25.1.
Variant type: single nucleotide variant.
Coding change: c.362C>T on transcript NM_006567.5 (MANE Select); coding-DNA position 362, C replaced by T.
Protein change: p.Thr121Met; replaces threonine 121 with methionine.
Molecular consequence: missense variant. On other transcripts: intron variant (2).
Genome position (GRCh38, 1-based): chr6:5,368,932, C>T. VCF-style: chr6-5368932-C-T. GRCh37 (hg19) VCF-style: chr6-5369165-C-T.
Other names: c.362C>T, p.Thr121Met (NM_001318872.2, NM_001374875.1, NM_001374876.1 and 5 more transcripts); c.-340-27701C>T (NM_001375260.1); c.-84-35610C>T (NM_001375259.1); c.362C>T (NM_006567.3); short protein forms T121M.
Identifiers: ClinVar variation 1052874 (VCV001052874.7), dbSNP rs551537911, ClinGen allele CA3623632.
Genomic context (GRCh38, chr6:5,368,932, plus strand): 5'-ATGTGGGCCGCTTTGGGACCCCGTTGTTCTCGGTCTACGACAACCTTTCTCCAGTGGTCA[C>T]GACCTGGCAGAACTTTGACAGCCTGCTCATCCCAGCTGATCACCCCAGCAGGAAGAAGGG-3'
Protein context (NP_006558.1, residues 111-131): SVYDNLSPVV[Thr121Met]TWQNFDSLLI